The following is an entry in ClinVar:

ClinVar aggregate classification (germline): Uncertain significance (1 of 4 stars; one submission).

Conditions:
Fanconi anemia complementation group J. Also called: BRIP1-Related Fanconi Anemia. Identifiers: Orphanet 84, MedGen C1836860, MONDO:0012187, OMIM 609054.
Familial cancer of breast. Also called: BREAST CANCER, FAMILIAL; Hereditary breast cancer; hereditary breast carcinoma. Identifiers: Orphanet 227535, MedGen C0346153, MONDO:0016419, OMIM 114480. Disease mechanism: loss of function.

Submission:

Labcorp Genetics (formerly Invitae), Labcorp
Classification: Uncertain significance for Familial cancer of breast; Fanconi anemia complementation group J. Last evaluated: 2023-04-28. Review status: criteria provided, single submitter. Criteria: Invitae Variant Classification Sherloc (09022015). Collection method: clinical testing. Allele origin: germline.
Comment: In summary, the available evidence is currently insufficient to determine the role of this variant in disease. Therefore, it has been classified as a Variant of Uncertain Significance. An algorithm developed to predict the effect of missense changes on protein structure and function (PolyPhen-2) suggests that this variant is likely to be tolerated. This variant has not been reported in the literature in individuals affected with BRIP1-related conditions. This variant is not present in population databases (gnomAD no frequency). This sequence change replaces lysine, which is basic and polar, with arginine, which is basic and polar, at codon 1177 of the BRIP1 protein (p.Lys1177Arg).

NM_032043.3(BRIP1):c.3530A>G (p.Lys1177Arg)

Gene: BRIP1 (BRCA1 interacting DNA helicase 1; minus strand). Cytogenetic location: 17q23.2.
Variant type: single nucleotide variant.
Coding change: c.3530A>G on transcript NM_032043.3 (MANE Select); coding-DNA position 3530, A replaced by G.
Protein change: p.Lys1177Arg; replaces lysine 1177 with arginine.
Molecular consequence: missense variant.
Genome position (GRCh38, 1-based): chr17:61,683,516, T>C on the plus strand (A>G on the coding strand, the complement: BRIP1 is on the minus strand). VCF-style: chr17-61683516-T-C. GRCh37 (hg19) VCF-style: chr17-59760877-T-C.
Other names: short protein forms K1177R.
Identifiers: ClinVar variation 2947245 (VCV002947245.3), dbSNP rs2144072854, ClinGen allele CA400478397.